The following is an entry in ClinVar:

ClinVar aggregate classification (germline): Conflicting classifications of pathogenicity. Review status: criteria provided, conflicting classifications (1 of 4 stars). 18 submissions from 17 submitters: Uncertain significance (2); Benign (6); Likely benign (4). 6 of the submissions do not count toward it. Last evaluated 2026-02-02.

Conditions:
MKKS-related disorder. Also called: MKKS-related disorders; MKKS-related condition.
Bardet-Biedl syndrome (BBS). Identifiers: Orphanet 110, MedGen C0752166, MONDO:0015229.
McKusick-Kaufman syndrome (MKKS). Also called: HYDROMETROCOLPOS SYNDROME; HYDROMETROCOLPOS, POSTAXIAL POLYDACTYLY, AND CONGENITAL HEART MALFORMATION. Identifiers: Orphanet 2473, MedGen C0948368, MONDO:0009367, OMIM 236700.
Bardet-Biedl syndrome 6 (BBS6). Identifiers: Orphanet 110, MedGen C1858054, MONDO:0011523, OMIM 605231.

Allele frequency attached by ClinVar (database versions not stated): gnomAD 0.00363 and 0.00359; gnomAD exomes 0.00422 and 0.00424; 1000 Genomes Project 30x 0.00219; TOPMed 0.00290; ExAC 0.00438; 1000 Genomes Project 0.00220; ESP Exome Variant Server 0.00300.
gnomAD v4.1: 6,728 of 1,613,792 alleles (0.42%); highest among the groups gnomAD compares: Middle Eastern, 0.91%; 26 homozygotes.

Submissions (18):

Labcorp Genetics (formerly Invitae), Labcorp
Classification: Benign for McKusick-Kaufman syndrome; Bardet-Biedl syndrome. Last evaluated: 2026-02-02. Review status: criteria provided, single submitter. Criteria: Invitae Variant Classification Sherloc (09022015). Collection method: clinical testing. Allele origin: germline.

PreventionGenetics, part of Exact Sciences
Classification: Benign for MKKS-related condition. Last evaluated: 2025-09-17. Review status: criteria provided, single submitter. Criteria: ACMG Guidelines, 2015. Collection method: clinical testing. Allele origin: germline.
Comment: This variant is classified as benign based on ACMG/AMP sequence variant interpretation guidelines (Richards et al. 2015 PMID: 25741868, with internal and published modifications).

CeGaT Center for Human Genetics Tuebingen
Classification: Likely benign. Last evaluated: 2025-08-01. Review status: criteria provided, single submitter. Criteria: CeGaT Center For Human Genetics Tuebingen Variant Classification Criteria Version 2. Collection method: clinical testing. Allele origin: germline. Affected: yes. Observed: 13 variant alleles.
Comment: MKKS: BP4, BS2

Blueprint Genetics
Classification: Benign. Last evaluated: 2024-11-25. Review status: criteria provided, single submitter. Criteria: ACMG Guidelines, 2015. Collection method: clinical testing. Allele origin: germline.

GeneDx
Classification: Likely benign. Last evaluated: 2021-02-08. Review status: criteria provided, single submitter. Criteria: GeneDx Variant Classification Process June 2021. Collection method: clinical testing. Allele origin: germline. Affected: yes.
Comment: This variant is associated with the following publications: (PMID: 22025579, 22090721, 29221435, 18094050, 20498079, 12107442, 15770229, 29127258, 29343940, 20177705)

Mendelics
Classification: Benign for McKusick-Kaufman syndrome. Last evaluated: 2019-05-28. Review status: criteria provided, single submitter. Criteria: Mendelics Assertion Criteria 2017. Collection method: clinical testing. Allele origin: unknown.

SIB Swiss Institute of Bioinformatics
Classification: Benign for Bardet-Biedl syndrome 6. Last evaluated: 2018-05-31. Review status: criteria provided, single submitter. Criteria: ACMG Guidelines, 2015. Collection method: curation. Allele origin: unknown.
Comment: This variant is interpreted as a Benign, for Bardet-biedl syndrome 6, in Autosomal Recessive manner. The following ACMG Tag(s) were applied: BP4 => Multiple lines of computational evidence suggest no impact on gene or gene product (conservation, evolutionary, splicing impact, etc.). BS1 => Allele frequency is greater than expected for disorder. BS2 => Observed in a healthy adult individual for a recessive (homozygous), dominant (heterozygous), or X-linked (hemizygous) disorder, with full penetrance expected at an early age.

Illumina Laboratory Services, Illumina
Classification: Uncertain significance for McKusick-Kaufman syndrome. Last evaluated: 2017-04-27. Review status: criteria provided, single submitter. Criteria: ICSL Variant Classification Criteria 13 December 2019. Collection method: clinical testing. Allele origin: germline.

Illumina Laboratory Services, Illumina
Classification: Uncertain significance for Bardet-Biedl syndrome 6. Last evaluated: 2017-04-27. Review status: criteria provided, single submitter. Criteria: ICSL Variant Classification Criteria 13 December 2019. Collection method: clinical testing. Allele origin: germline.

Genetic Services Laboratory, University of Chicago
Classification: Likely benign. Last evaluated: 2017-04-05. Review status: criteria provided, single submitter. Criteria: ACMG Guidelines, 2015. Collection method: clinical testing. Allele origin: germline. Affected: no.

Genomic Diagnostic Laboratory, Division of Genomic Diagnostics, Children's Hospital of Philadelphia
Classification: Benign. Last evaluated: 2015-09-23. Review status: criteria provided, single submitter. Criteria: DGD Variant Analysis Guidelines. Collection method: clinical testing. Allele origin: unknown.

Eurofins Ntd Llc (ga)
Classification: Likely benign. Last evaluated: 2015-01-17. Review status: criteria provided, single submitter. Criteria: EGL Classification Definitions 2015. Collection method: clinical testing. Allele origin: germline. Observed: 3 variant alleles, 3 heterozygotes.

Clinical Genetics DNA and cytogenetics Diagnostics Lab, Erasmus MC, Erasmus Medical Center
Classification: Likely benign. Review status: no assertion criteria provided. Collection method: clinical testing. Allele origin: germline. Affected: yes. Study: VKGL Data-share Consensus. Not counted in ClinVar's aggregate classification.

Clinical Genetics, Academic Medical Center
Classification: Likely benign. Review status: no assertion criteria provided. Collection method: clinical testing. Allele origin: germline. Affected: yes. Study: VKGL Data-share Consensus. Not counted in ClinVar's aggregate classification.

Genome Diagnostics Laboratory, University Medical Center Utrecht
Classification: Benign. Review status: no assertion criteria provided. Collection method: clinical testing. Allele origin: germline. Affected: yes. Study: VKGL Data-share Consensus. Not counted in ClinVar's aggregate classification.

Joint Genome Diagnostic Labs from Nijmegen and Maastricht, Radboudumc and MUMC+
Classification: Benign. Review status: no assertion criteria provided. Collection method: clinical testing. Allele origin: germline. Affected: yes. Study: VKGL Data-share Consensus. Not counted in ClinVar's aggregate classification.

NEI Ophthalmic Genomics Laboratory, National Institutes of Health
No classification provided. Review status: no classification provided. Collection method: not provided. Allele origin: not provided. Not counted in ClinVar's aggregate classification.

Tolun Lab, Human Genetics Laboratory, Bogazici University
Classification: Uncertain significance for McKusick-Kaufman syndrome. Review status: no assertion criteria provided. Collection method: research. Allele origin: inherited. Inheritance: Autosomal recessive inheritance. Affected: yes. Observed: 5 variant alleles, 5 heterozygotes. Clinical features observed: Polydactyly, Intellectual disability, Obesity, Rod-cone dystrophy. Not counted in ClinVar's aggregate classification.

Literature cited by the submitters: PubMed 12107442 (cited by Eurofins Ntd Llc (ga)); PubMed 18094050 (cited by Eurofins Ntd Llc (ga)); PubMed 29127258 (cited by Tolun Lab, Human Genetics Laboratory, Bogazici University).

NM_170784.3(MKKS):c.1015A>G (p.Ile339Val)

Gene: MKKS (MKKS centrosomal shuttling protein; minus strand). Cytogenetic location: 20p12.2.
Variant type: single nucleotide variant.
Coding change: c.1015A>G on transcript NM_170784.3 (MANE Select); coding-DNA position 1015, A replaced by G.
Protein change: p.Ile339Val; replaces isoleucine 339 with valine.
Molecular consequence: missense variant. On other transcripts: non-coding transcript variant (1).
Genome position (GRCh38, 1-based): chr20:10,408,774, T>C on the plus strand (A>G on the coding strand, the complement: MKKS is on the minus strand). VCF-style: chr20-10408774-T-C. GRCh37 (hg19) VCF-style: chr20-10389422-T-C.
Other names: BBS6; NM_018848.3(MKKS):c.1015A>G(p.Ile339Val); NM_170784.2(MKKS):c.1015A>G(p.Ile339Val); c.1015A>G, p.Ile339Val (NM_018848.3); short protein forms I339V.
Identifiers: ClinVar variation 100586 (VCV000100586.55), dbSNP rs137853909, ClinGen allele CA200249.